The following is an entry in ClinVar:

NM_000520.6(HEXA):c.884A>G (p.Asn295Ser)

Gene: HEXA (hexosaminidase subunit alpha; minus strand). Cytogenetic location: 15q23.
Variant type: single nucleotide variant.
Coding change: c.884A>G on transcript NM_000520.6 (MANE Select); coding-DNA position 884, A replaced by G.
Protein change: p.Asn295Ser; replaces asparagine 295 with serine.
Molecular consequence: missense variant. On other transcripts: non-coding transcript variant (1).
Genome position (GRCh38, 1-based): chr15:72,349,181, T>C on the plus strand (A>G on the coding strand, the complement: HEXA is on the minus strand). VCF-style: chr15-72349181-T-C. GRCh37 (hg19) VCF-style: chr15-72641522-T-C.
Other names: p.Asn295Ser; c.917A>G, p.Asn306Ser (NM_001318825.2); short protein forms N306S, N295S.
Identifiers: ClinVar variation 1441704 (VCV001441704.4), dbSNP rs199578185, ClinGen allele CA7644872.

ClinVar aggregate classification (germline): Uncertain significance. Review status: criteria provided, multiple submitters, no conflicts (2 of 4 stars). 2 submissions from 2 submitters: Uncertain significance (2). Last evaluated 2024-05-06.

Conditions:
Tay-Sachs disease (TSD). Also called: HEXA DEFICIENCY; GM2 gangliosidosis, type 1; Hexosaminidase alpha-subunit deficiency (variant B); Sphingolipidosis, Tay-Sachs; HEXA Disorders; Hexosaminidase A Deficiency. Identifiers: Orphanet 845, MedGen C0039373, MONDO:0010100, OMIM 272800.

Allele frequency attached by ClinVar (database versions not stated): gnomAD 0.00001; gnomAD exomes 0.00001 and below 0.00001; ExAC 0.00002; 1000 Genomes Project 30x 0.00016; 1000 Genomes Project 0.00020; TOPMed below 0.00001.
gnomAD v4.1: 7 of 1,613,764 alleles (0.00043%); highest among the groups gnomAD compares: East Asian, 0.0045%; no homozygotes.

Submissions (2):

Mayo Clinic Laboratories, Mayo Clinic
Classification: Uncertain significance. Last evaluated: 2024-05-06. Review status: criteria provided, single submitter. Criteria: ACMG Guidelines, 2015. Collection method: clinical testing. Allele origin: germline. Observed: 1 variant allele.
Comment: PP4, PM2, PM3_supporting

Labcorp Genetics (formerly Invitae), Labcorp
Classification: Uncertain significance for Tay-Sachs disease. Last evaluated: 2022-07-05. Review status: criteria provided, single submitter. Criteria: Invitae Variant Classification Sherloc (09022015). Collection method: clinical testing. Allele origin: germline.
Comment: This sequence change replaces asparagine, which is neutral and polar, with serine, which is neutral and polar, at codon 295 of the HEXA protein (p.Asn295Ser). This variant is present in population databases (rs199578185, gnomAD 0.01%). This missense change has been observed in individual(s) with HEXA deficiency (PMID: 14566483). ClinVar contains an entry for this variant (Variation ID: 1441704). Algorithms developed to predict the effect of missense changes on protein structure and function are either unavailable or do not agree on the potential impact of this missense change (SIFT: "Deleterious"; PolyPhen-2: "Possibly Damaging"; Align-GVGD: "Class C0"). In summary, the available evidence is currently insufficient to determine the role of this variant in disease. Therefore, it has been classified as a Variant of Uncertain Significance.

Literature cited by the submitters: PubMed 14566483 (cited by Mayo Clinic Laboratories, Mayo Clinic and Labcorp Genetics (formerly Invitae), Labcorp); PubMed 31367523 (cited by Mayo Clinic Laboratories, Mayo Clinic); PubMed 34288098 (cited by Mayo Clinic Laboratories, Mayo Clinic).